The following is an entry in ClinVar:

ClinVar aggregate classification (germline): Uncertain significance (1 of 4 stars; one submission).

Conditions:
Intellectual developmental disorder, autosomal dominant 46. Also called: MENTAL RETARDATION, AUTOSOMAL DOMINANT 46; Intellectual disability, autosomal dominant 46. Identifiers: MedGen C4539851, MONDO:0030911, OMIM 617601.

gnomAD v4.1: 1 of 1,610,518 alleles (0.000062%); highest among the groups gnomAD compares: Admixed American, 0.0017%; no homozygotes.

Submission:

Laboratorio de Genetica e Diagnostico Molecular, Hospital Israelita Albert Einstein
Classification: Uncertain significance for Intellectual developmental disorder, autosomal dominant 46. Last evaluated: 2025-01-24. Review status: criteria provided, single submitter. Criteria: ACMG Guidelines, 2015. Collection method: clinical testing. Allele origin: germline. Affected: yes.
Comment: ACMG classification criteria: PM2 supporting, PP2 supporting

NM_019842.4(KCNQ5):c.315C>G (p.Asn105Lys)

Genes: KCNQ5 (potassium voltage-gated channel subfamily Q member 5; plus strand), KCNQ5-DT (KCNQ5 divergent transcript; minus strand). Cytogenetic location: 6q13.
Variant type: single nucleotide variant.
Coding change: c.315C>G on transcript NM_019842.4 (MANE Select); coding-DNA position 315, C replaced by G.
Protein change: p.Asn105Lys; replaces asparagine 105 with lysine.
Molecular consequence: missense variant.
Genome position (GRCh38, 1-based): chr6:72,622,504, C>G. VCF-style: chr6-72622504-C-G. GRCh37 (hg19) VCF-style: chr6-73332232-C-G.
Other names: c.315C>G, p.Asn105Lys (NM_001160130.2, NM_001160132.2, NM_001160133.2 and 1 more transcripts); short protein forms N105K.
Identifiers: ClinVar variation 4056527 (VCV004056527.1).